The following is an entry in ClinVar:

NM_000059.4(BRCA2):c.3343del (p.Ser1115fs)

Gene: BRCA2 (BRCA2 DNA repair associated; plus strand). Cytogenetic location: 13q13.1.
Variant type: Deletion.
Coding change: c.3343del on transcript NM_000059.4 (MANE Select); coding-DNA position 3343, one base deleted (T; older notation c.3343delT).
Protein change: p.Ser1115fs; shifts the reading frame from serine 1115.
Molecular consequence: frameshift variant.
Genome position (GRCh38, 1-based): chr13:32,337,698, T deleted; the last of 3 consecutive T bases (chr13:32,337,696-32,337,698); deleting any one gives the same sequence. VCF-style (leftmost placement, unchanged base first): chr13-32337695-CT-C. GRCh37 (hg19) VCF-style: chr13-32911832-CT-C.
Other names: c.3343delT (NM_000059.3); c.3343del (NM_000059.3); short protein forms S1115fs.
Identifiers: ClinVar variation 548369 (VCV000548369.12), dbSNP rs1555283184, ClinGen allele CA658823661.
Genomic context (GRCh38, chr13:32,337,695, plus strand): 5'-AAGCAGGATTTTAATTCAAACCATAATTTAACACCTAGCCAAAAGGCAGAAATTACAGAA[CT>C]TTCTACTATATTAGAAGAATCAGGAAGTCAGTTTGAATTTACTCAGTTTAGAAAACCAAG-3'

ClinVar aggregate classification (germline): Pathogenic. Review status: reviewed by expert panel (3 of 4 stars). 4 submissions from 4 submitters: Pathogenic (1). 3 of the submissions do not count toward it. Last evaluated 2017-12-15.

Conditions:
Hereditary cancer-predisposing syndrome. Also called: Neoplastic Syndromes, Hereditary; Hereditary neoplastic syndrome; Tumor predisposition; Hereditary Cancer Syndrome. Identifiers: Orphanet 140162, MedGen C0027672, MeSH D009386, MONDO:0015356.
Hereditary breast ovarian cancer syndrome. Also called: Hereditary breast and ovarian cancer; Hereditary breast and/or ovarian cancer syndrome; Hereditary breast and ovarian cancer syndrome (HBOC); Breast and ovarian cancer; BRCA1- and BRCA2-Associated Hereditary Breast and Ovarian Cancer; Hereditary breast and ovarian cancer syndrome. Identifiers: Orphanet 145, MedGen C0677776, MeSH D061325, MONDO:0003582. Disease mechanism: loss of function.
Inherited breast cancer and ovarian cancer.
Breast-ovarian cancer, familial, susceptibility to, 2 (BROVCA2). Also called: BRCA2 Hereditary Breast and Ovarian Cancer. Identifiers: Orphanet 145, MedGen C2675520, MONDO:0012933, OMIM 612555. Disease mechanism: loss of function.

Submissions (4):

Evidence-based Network for the Interpretation of Germline Mutant Alleles (ENIGMA)
Classification: Pathogenic for Breast-ovarian cancer, familial, susceptibility to, 2. Last evaluated: 2017-12-15. Review status: reviewed by expert panel. Criteria: ENIGMA BRCA1/2 Classification Criteria (2017-06-29). Collection method: curation. Allele origin: germline. Study: ENIGMA.
Comment: Variant allele predicted to encode a truncated non-functional protein.

Genetics Laboratory, Great Ormond Street Hospital NHS Foundation Trust, North Thames Genomic Laboratory Hub
Classification: Pathogenic for Inherited breast cancer and ovarian cancer. Last evaluated: 2025-09-18. Review status: criteria provided, single submitter. Criteria: CanVIG BRCA Gene Specific V1.22. Collection method: clinical testing. Allele origin: germline. Affected: yes. Not counted in ClinVar's aggregate classification.
Comment: PM2_moderate, PVS1_very-strong, PM5_strong

Color Diagnostics, LLC DBA Color Health
Classification: Pathogenic for Hereditary cancer-predisposing syndrome. Last evaluated: 2025-04-29. Review status: criteria provided, single submitter. Criteria: ACMG Guidelines, 2015. Collection method: clinical testing. Allele origin: germline. Not counted in ClinVar's aggregate classification.
Comment: This variant deletes 1 nucleotide in exon 11 of the BRCA2 gene, creating a frameshift and premature translation stop signal. This variant is expected to result in an absent or non-functional protein product. This variant has been reported in individuals affected with breast cancer (PMID: 28947987). This variant has not been identified in the general population by the Genome Aggregation Database (gnomAD). Loss of BRCA2 function is a known mechanism of disease. Based on the available evidence, this variant is classified as Pathogenic.

Labcorp Genetics (formerly Invitae), Labcorp
Classification: Pathogenic for Hereditary breast ovarian cancer syndrome. Last evaluated: 2022-11-15. Review status: criteria provided, single submitter. Criteria: Invitae Variant Classification Sherloc (09022015). Collection method: clinical testing. Allele origin: germline. Not counted in ClinVar's aggregate classification.
Comment: For these reasons, this variant has been classified as Pathogenic. ClinVar contains an entry for this variant (Variation ID: 548369). This premature translational stop signal has been observed in individual(s) with breast cancer (PMID: 28947987). This variant is not present in population databases (gnomAD no frequency). This sequence change creates a premature translational stop signal (p.Ser1115Leufs*4) in the BRCA2 gene. It is expected to result in an absent or disrupted protein product. Loss-of-function variants in BRCA2 are known to be pathogenic (PMID: 20104584).

Literature cited by the submitters: PubMed 28947987 (cited by Color Diagnostics, LLC DBA Color Health and Labcorp Genetics (formerly Invitae), Labcorp); PubMed 20104584 (cited by Labcorp Genetics (formerly Invitae), Labcorp).